The following is an entry in ClinVar:

ClinVar aggregate classification (germline): Uncertain significance. Review status: criteria provided, multiple submitters, no conflicts (2 of 4 stars). 3 submissions from 3 submitters: Uncertain significance (3). Last evaluated 2025-05-07.

Conditions:
Inborn genetic diseases. Identifiers: MedGen C0950123, MeSH D030342.

Submissions (3):

GeneDx
Classification: Uncertain significance. Last evaluated: 2025-05-07. Review status: criteria provided, single submitter. Criteria: GeneDx Variant Classification Process June 2021. Collection method: clinical testing. Allele origin: germline. Affected: yes.
Comment: Not observed at significant frequency in large population cohorts (gnomAD); In silico analysis suggests that this missense variant does not alter protein structure/function; Has not been previously published as pathogenic or benign to our knowledge

Ambry Genetics
Classification: Uncertain significance for Inborn genetic diseases. Last evaluated: 2025-02-08. Review status: criteria provided, single submitter. Criteria: Ambry Variant Classification Scheme 2023. Collection method: clinical testing. Allele origin: germline.

Labcorp Genetics (formerly Invitae), Labcorp
Classification: Uncertain significance. Last evaluated: 2024-10-24. Review status: criteria provided, single submitter. Criteria: Invitae Variant Classification Sherloc (09022015). Collection method: clinical testing. Allele origin: germline.
Comment: This sequence change replaces methionine, which is neutral and non-polar, with valine, which is neutral and non-polar, at codon 1969 of the SPTBN2 protein (p.Met1969Val). This variant is present in population databases (rs781174500, gnomAD 0.002%). This variant has not been reported in the literature in individuals affected with SPTBN2-related conditions. Invitae Evidence Modeling of protein sequence and biophysical properties (such as structural, functional, and spatial information, amino acid conservation, physicochemical variation, residue mobility, and thermodynamic stability) indicates that this missense variant is not expected to disrupt SPTBN2 protein function with a negative predictive value of 80%. In summary, the available evidence is currently insufficient to determine the role of this variant in disease. Therefore, it has been classified as a Variant of Uncertain Significance.

NM_006946.4(SPTBN2):c.5905A>G (p.Met1969Val)

Gene: SPTBN2 (spectrin beta, non-erythrocytic 2; minus strand). Cytogenetic location: 11q13.2.
Variant type: single nucleotide variant.
Coding change: c.5905A>G on transcript NM_006946.4 (MANE Select); coding-DNA position 5905, A replaced by G.
Protein change: p.Met1969Val; replaces methionine 1969 with valine.
Molecular consequence: missense variant.
Genome position (GRCh38, 1-based): chr11:66,689,849, T>C on the plus strand (A>G on the coding strand, the complement: SPTBN2 is on the minus strand). VCF-style: chr11-66689849-T-C. GRCh37 (hg19) VCF-style: chr11-66457320-T-C.
Other names: c.5905A>G (NM_006946.2); c.5926A>G, p.Met1976Val (NM_001411025.1); short protein forms M1969V, M1976V.
Identifiers: ClinVar variation 3666983 (VCV003666983.4).